The following is an entry in ClinVar:

NM_001042492.3(NF1):c.4725-2A>G

Gene: NF1 (neurofibromin 1; plus strand). Cytogenetic location: 17q11.2.
Variant type: single nucleotide variant.
Coding change: c.4725-2A>G on transcript NM_001042492.3 (MANE Select); the canonical splice acceptor site of the intron before coding-DNA position 4725, A replaced by G.
Molecular consequence: splice acceptor variant.
Genome position (GRCh38, 1-based): chr17:31,265,227, A>G. VCF-style: chr17-31265227-A-G. GRCh37 (hg19) VCF-style: chr17-29592245-A-G.
Other names: c.4662-2A>G (NM_000267.4).
Identifiers: ClinVar variation 1073883 (VCV001073883.8), dbSNP rs1295045178, ClinGen allele CA399001135.

ClinVar aggregate classification (germline): Pathogenic/Likely pathogenic. Review status: criteria provided, multiple submitters, no conflicts (2 of 4 stars). 4 submissions from 4 submitters: Pathogenic (3); Likely pathogenic (1). Last evaluated 2026-01-26.

Conditions:
Cardiovascular phenotype. Identifiers: MedGen CN230736.
Hereditary cancer-predisposing syndrome. Also called: Neoplastic Syndromes, Hereditary; Hereditary Cancer Syndrome; Hereditary neoplastic syndrome; Tumor predisposition. Identifiers: Orphanet 140162, MedGen C0027672, MeSH D009386, MONDO:0015356.
Neurofibromatosis, type 1 (NF1). Also called: VON RECKLINGHAUSEN DISEASE; Neurofibromatosis, type I; NEUROFIBROMATOSIS, TYPE I, SOMATIC; Peripheral type neurofibromatosis. Identifiers: Orphanet 636, MedGen C0027831, MONDO:0018975, OMIM 162200. Disease mechanism: loss of function.

Submissions (4):

Myriad Genetics, Inc.
Classification: Pathogenic for Neurofibromatosis, type 1. Last evaluated: 2026-01-26. Review status: criteria provided, single submitter. Criteria: Myriad Autosomal Dominant, Autosomal Recessive and X-Linked Classification Criteria (2023). Collection method: clinical testing. Allele origin: unknown.
Comment: This variant is considered pathogenic. This variant occurs within a consensus splice junction and is predicted to result in abnormal mRNA splicing of either an out-of-frame exon or an in-frame exon necessary for protein stability and/or normal function. Functional studies indicate this variant impacts protein function [PMID: 18546366, 23906300]. This variant has been reported in multiple individuals with clinical features of gene-specific disease [PMID: 18546366, 23906300, 31776437, 41091164, 23913538, 34860164].

GeneDx
Classification: Pathogenic. Last evaluated: 2025-06-05. Review status: criteria provided, single submitter. Criteria: GeneDx Variant Classification Process June 2021. Collection method: clinical testing. Allele origin: germline. Affected: yes.
Comment: Canonical splice site variant demonstrated to result in a null allele in a gene for which loss-of-function is a known mechanism of disease (PMID: 18546366); Not observed at significant frequency in large population cohorts (gnomAD); Also known as IVS27a-2A>G; This variant is associated with the following publications: (PMID: 28955729, 25525159, 27535533, 40417234, 23906300, 18546366, 31776437)

Labcorp Genetics (formerly Invitae), Labcorp
Classification: Pathogenic for Neurofibromatosis, type 1. Last evaluated: 2023-12-02. Review status: criteria provided, single submitter. Criteria: Invitae Variant Classification Sherloc (09022015). Collection method: clinical testing. Allele origin: germline.
Comment: This sequence change affects an acceptor splice site in intron 34 of the NF1 gene. RNA analysis indicates that disruption of this splice site induces altered splicing and may result in an absent or disrupted protein product. This variant is not present in population databases (gnomAD no frequency). Disruption of this splice site has been observed in individuals with clinical features of neurofibromatosis type 1 (NF1) (PMID: 18546366, 23913538, 31533651; Invitae). ClinVar contains an entry for this variant (Variation ID: 1073883). Studies have shown that disruption of this splice site results in activation of a cryptic splice site and introduces a premature termination codon (PMID: 18546366). The resulting mRNA is expected to undergo nonsense-mediated decay. For these reasons, this variant has been classified as Pathogenic.

Ambry Genetics
Classification: Likely pathogenic for Cardiovascular phenotype; Hereditary cancer-predisposing syndrome. Last evaluated: 2023-06-30. Review status: criteria provided, single submitter. Criteria: Ambry Variant Classification Scheme 2023. Collection method: clinical testing. Allele origin: germline.
Comment: The c.4662-2A>G intronic variant results from an A to G substitution two nucleotides upstream from coding exon 35 in the NF1 gene. This alteration was identified in a cohort of 427 Korean patients with a confirmed or suspected clinical diagnosis of neurofibromatosis type 1. (Kang E et al. J Hum Genet, 2020 Jan;65:79-89). This alteration was identified in 1 of 374 patients undergoing genetic testing due to a diagnosis or clinical suspicion of neurofibromatosis type 1 (Pros E et al. Hum Mutat, 2008 Sep;29:E173-93). This nucleotide position is highly conserved in available vertebrate species. In silico splice site analysis predicts that this alteration will weaken the native splice acceptor site and will result in the creation or strengthening of a novel splice acceptor site. This variant is considered to be rare based on population cohorts in the Genome Aggregation Database (gnomAD). In addition to the clinical data presented in the literature, alterations that disrupt the canonical splice site are expected to cause aberrant splicing, resulting in an abnormal protein or a transcript that is subject to nonsense-mediated mRNA decay. As such, this alteration is classified as a disease-causing mutation.

Literature cited by the submitters: PubMed 18546366 (cited by Myriad Genetics, Inc. and Labcorp Genetics (formerly Invitae), Labcorp); PubMed 23906300 (cited by Myriad Genetics, Inc.); PubMed 31776437 (cited by Myriad Genetics, Inc.); PubMed 41091164 (cited by Myriad Genetics, Inc.); PubMed 23913538 (cited by Myriad Genetics, Inc. and Labcorp Genetics (formerly Invitae), Labcorp); PubMed 34860164 (cited by Myriad Genetics, Inc.); PubMed 31533651 (cited by Labcorp Genetics (formerly Invitae), Labcorp).